The following is an entry in ClinVar:

ClinVar aggregate classification (germline): Uncertain significance (1 of 4 stars; one submission).

Conditions:
Epilepsy, familial adult myoclonic, 5 (EPEO5). Also called: CORTICAL MYOCLONIC TREMOR WITH EPILEPSY, FAMILIAL, 5. Identifiers: Orphanet 86814, MedGen C3809374, MONDO:0014167, OMIM 615400.

Submission:

Labcorp Genetics (formerly Invitae), Labcorp
Classification: Uncertain significance for Epilepsy, familial adult myoclonic, 5. Last evaluated: 2022-06-20. Review status: criteria provided, single submitter. Criteria: Invitae Variant Classification Sherloc (09022015). Collection method: clinical testing. Allele origin: germline.
Comment: This sequence change replaces alanine, which is neutral and non-polar, with serine, which is neutral and polar, at codon 377 of the CNTN2 protein (p.Ala377Ser). This variant is not present in population databases (gnomAD no frequency). This variant has not been reported in the literature in individuals affected with CNTN2-related conditions. Advanced modeling of protein sequence and biophysical properties (such as structural, functional, and spatial information, amino acid conservation, physicochemical variation, residue mobility, and thermodynamic stability) performed at Invitae indicates that this missense variant is not expected to disrupt CNTN2 protein function. In summary, the available evidence is currently insufficient to determine the role of this variant in disease. Therefore, it has been classified as a Variant of Uncertain Significance.

NM_005076.5(CNTN2):c.1129G>T (p.Ala377Ser)

Gene: CNTN2 (contactin 2; plus strand). Cytogenetic location: 1q32.1.
Variant type: single nucleotide variant.
Coding change: c.1129G>T on transcript NM_005076.5 (MANE Select); coding-DNA position 1129, G replaced by T.
Protein change: p.Ala377Ser; replaces alanine 377 with serine.
Molecular consequence: missense variant. On other transcripts: non-coding transcript variant (1).
Genome position (GRCh38, 1-based): chr1:205,062,458, G>T. VCF-style: chr1-205062458-G-T. GRCh37 (hg19) VCF-style: chr1-205031586-G-T.
Other names: c.1129G>T, p.Ala377Ser (NM_001346083.2); short protein forms A377S.
Identifiers: ClinVar variation 1414139 (VCV001414139.6), dbSNP rs2151192775, ClinGen allele CA344374417.